The following is an entry in ClinVar:

NM_021973.3(HAND2):c.290C>G (p.Pro97Arg)

Genes: HAND2-AS1 (HAND2 antisense RNA 1; plus strand), HAND2 (heart and neural crest derivatives expressed 2; minus strand). Cytogenetic location: 4q34.1.
Variant type: single nucleotide variant.
Coding change: c.290C>G on transcript NM_021973.3 (MANE Select); coding-DNA position 290, C replaced by G.
Protein change: p.Pro97Arg; replaces proline 97 with arginine.
Molecular consequence: missense variant.
Genome position (GRCh38, 1-based): chr4:173,529,000, G>C on the plus strand (C>G on the coding strand, the complement: HAND2 is on the minus strand). VCF-style: chr4-173529000-G-C. GRCh37 (hg19) VCF-style: chr4-174450151-G-C.
Other names: short protein forms P97R.
Identifiers: ClinVar variation 2629477 (VCV002629477.3), dbSNP rs751803965, ClinGen allele CA3141314.

ClinVar aggregate classification (germline): Uncertain significance. Review status: criteria provided, multiple submitters, no conflicts (2 of 4 stars). 2 submissions from 2 submitters: Uncertain significance (2). Last evaluated 2024-02-09.

Conditions:
HAND2-related disorder. Also called: HAND2-related condition.

Allele frequency attached by ClinVar (database versions not stated): gnomAD 0.00004.

Submissions (2):

Labcorp Genetics (formerly Invitae), Labcorp
Classification: Uncertain significance. Last evaluated: 2024-02-09. Review status: criteria provided, single submitter. Criteria: Invitae Variant Classification Sherloc (09022015). Collection method: clinical testing. Allele origin: germline.
Comment: This sequence change replaces proline, which is neutral and non-polar, with arginine, which is basic and polar, at codon 97 of the HAND2 protein (p.Pro97Arg). This variant is present in population databases (rs751803965, gnomAD 0.01%). This variant has not been reported in the literature in individuals affected with HAND2-related conditions. ClinVar contains an entry for this variant (Variation ID: 2629477). An algorithm developed to predict the effect of missense changes on protein structure and function (PolyPhen-2) suggests that this variant is likely to be tolerated. In summary, the available evidence is currently insufficient to determine the role of this variant in disease. Therefore, it has been classified as a Variant of Uncertain Significance.

PreventionGenetics, part of Exact Sciences
Classification: Uncertain significance for HAND2-related condition. Last evaluated: 2023-03-07. Review status: criteria provided, single submitter. Criteria: ACMG Guidelines, 2015. Collection method: clinical testing. Allele origin: germline.
Comment: The HAND2 c.290C>G variant is predicted to result in the amino acid substitution p.Pro97Arg. To our knowledge, this variant has not been reported in the literature. This variant is reported in 0.012% of alleles in individuals of Latino descent in gnomAD. Although we suspect that this variant may be benign, at this time, the clinical significance of this variant is uncertain due to the absence of conclusive functional and genetic evidence.